The following is an entry in ClinVar:

ClinVar aggregate classification (germline): Uncertain significance (1 of 4 stars; one submission).

Conditions:
Cone-rod dystrophy 6 (CORD6). Also called: RETINAL CONE DYSTROPHY 2; Cone dystrophy progressive. Identifiers: Orphanet 1872, MedGen C1866293, MONDO:0011143, OMIM 601777.
Leber congenital amaurosis 1 (LCA1). Also called: Congenital absence of the rods and cones; Leber's congenital tapetoretinal degeneration; Leber's congenital tapetoretinal dysplasia; AMAUROSIS CONGENITA OF LEBER I; RETINAL BLINDNESS, CONGENITAL. Identifiers: Orphanet 65, MedGen C2931258, MONDO:0008764, OMIM 204000.

Allele frequency attached by ClinVar (database versions not stated): TOPMed 0.00002; gnomAD 0.00003; ExAC 0.00008.
gnomAD v4.1: 9 of 1,581,604 alleles (0.00057%); highest among the groups gnomAD compares: Admixed American, 0.0018%; no homozygotes.

Submission:

Labcorp Genetics (formerly Invitae), Labcorp
Classification: Uncertain significance for Leber congenital amaurosis 1; Cone-rod dystrophy 6. Last evaluated: 2021-09-17. Review status: criteria provided, single submitter. Criteria: Invitae Variant Classification Sherloc (09022015). Collection method: clinical testing. Allele origin: germline.
Comment: This sequence change replaces arginine with glutamine at codon 1091 of the GUCY2D protein (p.Arg1091Gln). The arginine residue is highly conserved and there is a small physicochemical difference between arginine and glutamine. This variant is present in population databases (rs773307918, ExAC 0.02%). This variant has not been reported in the literature in individuals affected with GUCY2D-related conditions. Algorithms developed to predict the effect of missense changes on protein structure and function are either unavailable or do not agree on the potential impact of this missense change (SIFT: "Deleterious"; PolyPhen-2: "Possibly Damaging"; Align-GVGD: "Class C0"). In summary, the available evidence is currently insufficient to determine the role of this variant in disease. Therefore, it has been classified as a Variant of Uncertain Significance.

NM_000180.4(GUCY2D):c.3272G>A (p.Arg1091Gln)

Gene: GUCY2D (guanylate cyclase 2D, retinal; plus strand). Cytogenetic location: 17p13.1.
Variant type: single nucleotide variant.
Coding change: c.3272G>A on transcript NM_000180.4 (MANE Select); coding-DNA position 3272, G replaced by A.
Protein change: p.Arg1091Gln; replaces arginine 1091 with glutamine.
Molecular consequence: missense variant.
Genome position (GRCh38, 1-based): chr17:8,016,490, G>A. VCF-style: chr17-8016490-G-A. GRCh37 (hg19) VCF-style: chr17-7919808-G-A.
Other names: short protein forms R1091Q.
Identifiers: ClinVar variation 1397680 (VCV001397680.3), dbSNP rs773307918, ClinGen allele CA8366375.